The following is an entry in ClinVar:

ClinVar aggregate classification (germline): Likely pathogenic (1 of 4 stars; one submission).

Conditions:
Fanconi anemia complementation group A (FANCA). Also called: Fanconi anemia, group A; FANCA-Related Fanconi Anemia. Identifiers: Orphanet 84, MedGen C3469521, MONDO:0009215, OMIM 227650.

Submission:

Myriad Genetics, Inc.
Classification: Likely pathogenic for Fanconi anemia complementation group A. Last evaluated: 2021-12-07. Review status: criteria provided, single submitter. Criteria: Myriad Women's Health Autosomal Recessive and X-Linked Classification Criteria (2021). Collection method: clinical testing. Allele origin: unknown.
Comment: NM_000135.2(FANCA):c.1972G>T(G658*) is expected to be pathogenic in the context of Fanconi anemia complementation group A. This variant is predicted to lead to an abnormal or absent protein product due to the creation of a premature termination codon in FANCA, a gene where loss-of-function variants are known to be pathogenic. Please note: this variant was assessed in the context of healthy population screening.

NM_000135.4(FANCA):c.1972G>T (p.Gly658Ter)

Gene: FANCA (FA complementation group A; minus strand). Cytogenetic location: 16q24.3.
Variant type: single nucleotide variant.
Coding change: c.1972G>T on transcript NM_000135.4 (MANE Select); coding-DNA position 1972, G replaced by T.
Protein change: p.Gly658Ter; replaces glycine 658 with a stop codon.
Molecular consequence: nonsense.
Genome position (GRCh38, 1-based): chr16:89,773,313, C>A on the plus strand (G>T on the coding strand, the complement: FANCA is on the minus strand). VCF-style: chr16-89773313-C-A. GRCh37 (hg19) VCF-style: chr16-89839721-C-A.
Other names: c.1972G>T, p.Gly658Ter (NM_001286167.3); short protein forms G658*.
Identifiers: ClinVar variation 1725744 (VCV001725744.2), dbSNP rs2544207436, ClinGen allele CA397449850.